The following is an entry in ClinVar:

NM_003718.5(CDK13):c.3920C>T (p.Ala1307Val)

Gene: CDK13 (cyclin dependent kinase 13; plus strand). Cytogenetic location: 7p14.1.
Variant type: single nucleotide variant.
Coding change: c.3920C>T on transcript NM_003718.5 (MANE Select); coding-DNA position 3920, C replaced by T.
Protein change: p.Ala1307Val; replaces alanine 1307 with valine.
Molecular consequence: missense variant.
Genome position (GRCh38, 1-based): chr7:40,094,361, C>T. VCF-style: chr7-40094361-C-T. GRCh37 (hg19) VCF-style: chr7-40133960-C-T.
Other names: c.3740C>T, p.Ala1247Val (NM_031267.4); short protein forms A1247V, A1307V.
Identifiers: ClinVar variation 1977059 (VCV001977059.8), dbSNP rs768318060, ClinGen allele CA4229035.

ClinVar aggregate classification (germline): Benign/Likely benign. Review status: criteria provided, multiple submitters, no conflicts (2 of 4 stars). 3 submissions from 3 submitters: Benign (1); Likely benign (2). Last evaluated 2026-06-01.

Conditions:
Inborn genetic diseases. Identifiers: MedGen C0950123, MeSH D030342.

Allele frequency attached by ClinVar (database versions not stated): gnomAD exomes 0.00001; TOPMed 0.00001; ExAC 0.00002; gnomAD 0.00002.
gnomAD v4.1: 20 of 1,613,894 alleles (0.0012%); highest among the groups gnomAD compares: Middle Eastern, 0.016%; no homozygotes.

Submissions (3):

CeGaT Center for Human Genetics Tuebingen
Classification: Likely benign. Last evaluated: 2026-06-01. Review status: criteria provided, single submitter. Criteria: CeGaT Center For Human Genetics Tuebingen Variant Classification Criteria Version 2. Collection method: clinical testing. Allele origin: germline. Affected: yes. Observed: 1 variant allele.
Comment: CDK13: BP4, BS2

Ambry Genetics
Classification: Likely benign for Inborn genetic diseases. Last evaluated: 2025-10-08. Review status: criteria provided, single submitter. Criteria: Ambry Variant Classification Scheme 2023. Collection method: clinical testing. Allele origin: germline.

Labcorp Genetics (formerly Invitae), Labcorp
Classification: Benign. Last evaluated: 2024-03-07. Review status: criteria provided, single submitter. Criteria: Invitae Variant Classification Sherloc (09022015). Collection method: clinical testing. Allele origin: germline.